The following is an entry in ClinVar:

NM_021830.5(TWNK):c.742_745del (p.Phe248fs)

Gene: TWNK (twinkle mtDNA helicase; plus strand). Cytogenetic location: 10q24.31.
Variant type: Deletion.
Coding change: c.742_745del on transcript NM_021830.5 (MANE Select); coding-DNA positions 742 to 745, 4 bases deleted (TTTG; older notation c.742_745delTTTG).
Protein change: p.Phe248fs; shifts the reading frame from phenylalanine 248.
Molecular consequence: frameshift variant. On other transcripts: non-coding transcript variant (4), intron variant (3).
Genome position (GRCh38, 1-based): chr10:100,988,952-100,988,955, TTTG deleted; deleting any 4 consecutive bases within chr10:100,988,950-100,988,955 gives the same sequence; the c. name uses the placement nearest the transcript's 3' end. VCF-style (leftmost placement, unchanged base first): chr10-100988949-CTGTT-C. GRCh37 (hg19) VCF-style: chr10-102748706-CTGTT-C.
Other names: c.742_745del, p.Phe248fs (NM_001163812.2); c.-119-692_-119-689del (NM_001163814.2, NM_001163813.2); c.-57-754_-57-751del (NM_001368275.1); short protein forms F248fs.
Identifiers: ClinVar variation 3377475 (VCV003377475.1).

ClinVar aggregate classification (germline): Pathogenic (1 of 4 stars; one submission).

Conditions:
Perrault syndrome 5 (PRLTS5). Identifiers: Orphanet 2855, MedGen C4015307, MONDO:0014504, OMIM 616138.

Submission:

Victorian Clinical Genetics Services, Murdoch Childrens Research Institute
Classification: Pathogenic for Perrault syndrome 5. Last evaluated: 2020-10-19. Review status: criteria provided, single submitter. Criteria: ACMG Guidelines, 2015. Collection method: clinical testing. Allele origin: germline.
Comment: Based on the classification scheme VCGS_Germline_v1.3.3, this variant is classified as Pathogenic. Following criteria are met: 0103 - Dominant negative and loss of function are known mechanisms of disease in this gene and are associated with Perrault syndrome (MIM#5616138), and progressive external ophthalmoplegia with mitochondrial DNA deletions (MIM#3609286). (I) 0108 - This gene is associated with both recessive and dominant disease. Loss of function variants (variants resulting in a premature termination codon and missense variants) have been reported to cause recessive disease, while missense variants causing a dominant negative mechanism have been reported to cause dominant disease (PMID: 18593709, PMID: 32234020). (I) 0201 - Variant is predicted to cause nonsense-mediated decay (NMD) and loss of protein (premature termination codon is located at least 54 nucleotides upstream of the final exon-exon junction). (SP) 0251 - This variant is heterozygous. (I) 0301 - Variant is absent from gnomAD (both v2 and v3). (SP) 0702 - Other NMD-predicted variants comparable to the one identified in this case have strong previous evidence for pathogenicity. Other NMD-predicted variants have been reported in patients with Perrault syndrome, infantile onset spinocerebellar ataxia and mitochondrial depletion (ClinVar, PMID: 27551684, PMID: 32234020). (SP) 0807 - This variant has no previous evidence of pathogenicity. (I) 0905 - No published segregation evidence has been identified for this variant. (I) 1007 - No published functional evidence has been identified for this variant. (I) 1208 - Inheritance information for this variant is not currently available in this individual. (I) Legend: (SP) - Supporting pathogenic, (I) - Information, (SB) - Supporting benign

Literature cited by the submitters: PubMed 18593709; PubMed 27551684; PubMed 32234020.